The following is an entry in ClinVar:

ClinVar aggregate classification (germline): Pathogenic (1 of 4 stars; one submission).

Conditions:
Developmental and epileptic encephalopathy, 28 (DEE28). Also called: Epileptic encephalopathy, early infantile, 28. Identifiers: Orphanet 442835, MedGen C4015519, MONDO:0014533, OMIM 616211.

Submission:

Institute of Human Genetics, University of Leipzig Medical Center
Classification: Pathogenic for Developmental and epileptic encephalopathy, 28. Last evaluated: 2022-01-12. Review status: criteria provided, single submitter. Criteria: ACMG Guidelines, 2015. Collection method: clinical testing. Allele origin: paternal. Affected: yes.
Comment: _x000D_ Criteria applied: PVS1, PM2_SUP, PM3

NM_016373.4:c.(516+1_517-1)_(605+1_606-1)del

Gene: WWOX (WW domain containing oxidoreductase; plus strand).
Variant type: Deletion.
Other names: c.(516+1_517-1)_(605+1_606-1)del (NM_016373.4).
Identifiers: ClinVar variation 1338793 (VCV001338793.1).